The following is an entry in ClinVar:

ClinVar aggregate classification (germline): Uncertain significance (1 of 4 stars; one submission).

Submission:

GeneDx
Classification: Uncertain significance. Last evaluated: 2019-08-11. Review status: criteria provided, single submitter. Criteria: GeneDx Variant Classification Process June 2021. Collection method: clinical testing. Allele origin: germline. Affected: yes.
Comment: Not observed in large population cohorts (Lek et al., 2016); The majority of missense variants in this gene are considered pathogenic (Stenson et al., 2014); In silico analysis, which includes protein predictors and evolutionary conservation, supports a deleterious effect; Has not been previously published as pathogenic or benign to our knowledge

NM_001040142.2(SCN2A):c.1030G>A (p.Ala344Thr)

Gene: SCN2A (sodium voltage-gated channel alpha subunit 2; plus strand). Cytogenetic location: 2q24.3.
Variant type: single nucleotide variant.
Coding change: c.1030G>A on transcript NM_001040142.2 (MANE Select); coding-DNA position 1030, G replaced by A.
Protein change: p.Ala344Thr; replaces alanine 344 with threonine.
Molecular consequence: missense variant.
Genome position (GRCh38, 1-based): chr2:165,312,084, G>A. VCF-style: chr2-165312084-G-A. GRCh37 (hg19) VCF-style: chr2-166168594-G-A.
Other names: c.1030G>A, p.Ala344Thr (NM_001040143.2, NM_001371246.1, NM_001371247.1 and 1 more transcripts); short protein forms A344T.
Identifiers: ClinVar variation 1188511 (VCV001188511.2), dbSNP rs2105251522, ClinGen allele CA349019886.
Genomic context (GRCh38, chr2:165,312,084, plus strand): 5'-GGTCACTTTTATTTTTTAGAGGGGCAAAATGATGCTCTGCTTTGTGGCAACAGCTCAGAT[G>A]CAGGGTAAGTGATGCTTCCTACTGAGTTTCAGTCCACACTGCTCCATCAGTGTCAATAAC-3'
Protein context (NP_001035232.1, residues 334-354): DALLCGNSSD[Ala344Thr]GQCPEGYICV